The following is an entry in ClinVar:

ClinVar aggregate classification (germline): Uncertain significance (1 of 4 stars; one submission).

Conditions:
JAG1-related disorder. Also called: JAG1-related disorders; JAG1-related condition.

Submission:

PreventionGenetics, part of Exact Sciences
Classification: Uncertain significance for JAG1-related condition. Last evaluated: 2024-12-31. Review status: criteria provided, single submitter. Criteria: ACMG Guidelines, 2015. Collection method: clinical testing. Allele origin: germline.
Comment: The JAG1 c.1380T>G variant is predicted to result in the amino acid substitution p.Asn460Lys. To our knowledge, this variant has not been reported in the literature or in a large population database (gnomAD), indicating this variant is rare. At this time, the clinical significance of this variant is uncertain due to the absence of conclusive functional and genetic evidence.

NM_000214.3(JAG1):c.1380T>G (p.Asn460Lys)

Gene: JAG1 (jagged canonical Notch ligand 1; minus strand). Cytogenetic location: 20p12.2.
Variant type: single nucleotide variant.
Coding change: c.1380T>G on transcript NM_000214.3 (MANE Select); coding-DNA position 1380, T replaced by G.
Protein change: p.Asn460Lys; replaces asparagine 460 with lysine.
Molecular consequence: missense variant.
Genome position (GRCh38, 1-based): chr20:10,649,076, A>C on the plus strand (T>G on the coding strand, the complement: JAG1 is on the minus strand). VCF-style: chr20-10649076-A-C. GRCh37 (hg19) VCF-style: chr20-10629724-A-C.
Other names: short protein forms N460K.
Identifiers: ClinVar variation 5002215 (VCV005002215.1).